The following is an entry in ClinVar:

ClinVar aggregate classification (germline): Uncertain significance (1 of 4 stars; one submission).

Conditions:
Inborn genetic diseases. Identifiers: MedGen C0950123, MeSH D030342.

Submission:

Ambry Genetics
Classification: Uncertain significance for Inborn genetic diseases. Last evaluated: 2022-11-06. Review status: criteria provided, single submitter. Criteria: Ambry Variant Classification Scheme 2023. Collection method: clinical testing. Allele origin: germline.
Comment: The p.L766I variant (also known as c.2296C>A), located in coding exon 15 of the PIK3CA gene, results from a C to A substitution at nucleotide position 2296. The leucine at codon 766 is replaced by isoleucine, an amino acid with highly similar properties. This amino acid position is conserved. In addition, the in silico prediction for this alteration is inconclusive. Since supporting evidence is limited at this time, the clinical significance of this alteration remains unclear.

NM_006218.4(PIK3CA):c.2296C>A (p.Leu766Ile)

Gene: PIK3CA (phosphatidylinositol-4,5-bisphosphate 3-kinase catalytic subunit alpha; plus strand). Cytogenetic location: 3q26.32.
Variant type: single nucleotide variant.
Coding change: c.2296C>A on transcript NM_006218.4 (MANE Select); coding-DNA position 2296, C replaced by A.
Protein change: p.Leu766Ile; replaces leucine 766 with isoleucine.
Molecular consequence: missense variant.
Genome position (GRCh38, 1-based): chr3:179,224,701, C>A. VCF-style: chr3-179224701-C-A. GRCh37 (hg19) VCF-style: chr3-178942489-C-A.
Other names: short protein forms L766I.
Identifiers: ClinVar variation 2453436 (VCV002453436.2), dbSNP rs1485993106, ClinGen allele CA355271325.
Genomic context (GRCh38, chr3:179,224,701, plus strand): 5'-TTCAGGGTAAAATAATAATAAAGCAAAGGTACCTAGTAAAGTTTTTAACTATTTTAAAGG[C>A]TTGAAGAGTGTCGAATTATGTCCTCTGCAAAAAGGCCACTGTGGTTGAATTGGGAGAACC-3'
Protein context (NP_006209.2, residues 756-776): NPAHQLGNLR[Leu766Ile]EECRIMSSAK